The following is an entry in ClinVar:

ClinVar aggregate classification (germline): Uncertain significance (1 of 4 stars; one submission).

Conditions:
Primary dilated cardiomyopathy (DCM). Also called: Dilated Cardiomyopathy. Identifiers: Orphanet 217604, MedGen C0007193, MeSH D002311, MONDO:0005021, HP:0001644. Inheritance: Various modes of inheritance.

gnomAD v4.1: 1 of 1,555,392 alleles (0.000064%); highest among the groups gnomAD compares: East Asian, 0.0022%; no homozygotes.

Submission:

Labcorp Genetics (formerly Invitae), Labcorp
Classification: Uncertain significance for Primary dilated cardiomyopathy. Last evaluated: 2026-01-26. Review status: criteria provided, single submitter. Criteria: Invitae Variant Classification Sherloc (09022015). Collection method: clinical testing. Allele origin: germline.
Comment: This sequence change replaces arginine, which is basic and polar, with glycine, which is neutral and non-polar, at codon 408 of the NEBL protein (p.Arg408Gly). This variant is present in population databases (no rsID available, gnomAD 0.006%). This variant has not been reported in the literature in individuals affected with NEBL-related conditions. An algorithm developed to predict the effect of missense changes on protein structure and function (PolyPhen-2) suggests that this variant is likely to be tolerated. In summary, the available evidence is currently insufficient to determine the role of this variant in disease. Therefore, it has been classified as a Variant of Uncertain Significance.

NM_006393.3(NEBL):c.1222A>G (p.Arg408Gly)

Gene: NEBL (nebulette; minus strand). Cytogenetic location: 10p12.31.
Variant type: single nucleotide variant.
Coding change: c.1222A>G on transcript NM_006393.3 (MANE Select); coding-DNA position 1222, A replaced by G.
Protein change: p.Arg408Gly; replaces arginine 408 with glycine.
Molecular consequence: missense variant. On other transcripts: intron variant (9).
Genome position (GRCh38, 1-based): chr10:20,845,263, T>C on the plus strand (A>G on the coding strand, the complement: NEBL is on the minus strand). VCF-style: chr10-20845263-T-C. GRCh37 (hg19) VCF-style: chr10-21134192-T-C.
Other names: c.250-32323A>G (NM_001377326.1, NM_001377327.1, NM_001377328.1); c.358-32323A>G (NM_213569.2, NM_001173484.2, NM_001377322.1); c.301-32323A>G (NM_001377324.1); c.292-32323A>G (NM_001377325.1); c.310-32323A>G (NM_001377323.1); short protein forms R408G.
Identifiers: ClinVar variation 4729645 (VCV004729645.1).
Genomic context (GRCh38, chr10:20,845,263, plus strand): 5'-GGGTTTTTTCTTTACTTTTCTTCATAATATTTAATAATAAACACCAAGATCGTACCTCCC[T>C]CAGAAGGTTGGTGATGTACTTTACATGTAAAAATTCTGGAGTCTTGTCTAAATCCAGTGA-3'
Protein context (NP_006384.1, residues 398-418): LHVKYITNLL[Arg408Gly]EKEYKKDLEN